The following is an entry in ClinVar:

NM_001377.3(DYNC2H1):c.2741C>G (p.Pro914Arg)

Gene: DYNC2H1 (dynein cytoplasmic 2 heavy chain 1; plus strand). Cytogenetic location: 11q22.3.
Variant type: single nucleotide variant.
Coding change: c.2741C>G on transcript NM_001377.3 (MANE Select); coding-DNA position 2741, C replaced by G.
Protein change: p.Pro914Arg; replaces proline 914 with arginine.
Molecular consequence: missense variant.
Genome position (GRCh38, 1-based): chr11:103,147,810, C>G. VCF-style: chr11-103147810-C-G. GRCh37 (hg19) VCF-style: chr11-103018539-C-G.
Other names: c.2741C>G, p.Pro914Arg (NM_001080463.2); short protein forms P914R.
Identifiers: ClinVar variation 2159325 (VCV002159325.4), dbSNP rs1415404739, ClinGen allele CA382266015.

ClinVar aggregate classification (germline): Uncertain significance (1 of 4 stars; one submission).

Conditions:
Jeune thoracic dystrophy. Also called: Jeune syndrome; Infantile thoracic dystrophy; Thoracic pelvic phalangeal dystrophy; Jeune's syndrome; Chondroectodermal dysplasia-like syndrome; Short-rib thoracic dysplasia. Identifiers: Orphanet 474, MedGen C0265275, MONDO:0018770.

Allele frequency attached by ClinVar (database versions not stated): TOPMed 0.00001.

Submission:

Labcorp Genetics (formerly Invitae), Labcorp
Classification: Uncertain significance for Jeune thoracic dystrophy. Last evaluated: 2022-04-13. Review status: criteria provided, single submitter. Criteria: Invitae Variant Classification Sherloc (09022015). Collection method: clinical testing. Allele origin: germline.
Comment: In summary, the available evidence is currently insufficient to determine the role of this variant in disease. Therefore, it has been classified as a Variant of Uncertain Significance. Advanced modeling of protein sequence and biophysical properties (such as structural, functional, and spatial information, amino acid conservation, physicochemical variation, residue mobility, and thermodynamic stability) performed at Invitae indicates that this missense variant is not expected to disrupt DYNC2H1 protein function. This variant has not been reported in the literature in individuals affected with DYNC2H1-related conditions. This variant is not present in population databases (gnomAD no frequency). This sequence change replaces proline, which is neutral and non-polar, with arginine, which is basic and polar, at codon 914 of the DYNC2H1 protein (p.Pro914Arg).